The following is an entry in ClinVar:

ClinVar aggregate classification (germline): Uncertain significance. Review status: criteria provided, single submitter (1 of 4 stars). 2 submissions from 2 submitters: Uncertain significance (1). 1 of the submissions does not count toward it. Last evaluated 2024-10-14.

Conditions:
Retinal dystrophy. Also called: Inherited retinal dystrophy. Identifiers: Orphanet 71862, MedGen C0854723, MeSH D058499, MONDO:0019118, HP:0000556.

Allele frequency attached by ClinVar (database versions not stated): TOPMed 0.00003; ExAC 0.00004; gnomAD exomes 0.00004; gnomAD 0.00006; ESP Exome Variant Server 0.00009.
gnomAD v4.1: 55 of 1,205,441 alleles (0.0046%); highest among the groups gnomAD compares: Non-Finnish European, 0.0057%; no homozygotes.

Submissions (2):

Labcorp Genetics (formerly Invitae), Labcorp
Classification: Uncertain significance. Last evaluated: 2024-10-14. Review status: criteria provided, single submitter. Criteria: Invitae Variant Classification Sherloc (09022015). Collection method: clinical testing. Allele origin: germline.
Comment: This sequence change replaces asparagine, which is neutral and polar, with lysine, which is basic and polar, at codon 1064 of the CACNA1F protein (p.Asn1064Lys). This variant is present in population databases (rs369354206, gnomAD 0.008%). This variant has not been reported in the literature in individuals affected with CACNA1F-related conditions. ClinVar contains an entry for this variant (Variation ID: 1907728). Invitae Evidence Modeling of protein sequence and biophysical properties (such as structural, functional, and spatial information, amino acid conservation, physicochemical variation, residue mobility, and thermodynamic stability) indicates that this missense variant is not expected to disrupt CACNA1F protein function with a negative predictive value of 80%. In summary, the available evidence is currently insufficient to determine the role of this variant in disease. Therefore, it has been classified as a Variant of Uncertain Significance.

Institute of Human Genetics, Univ. Regensburg, Univ. Regensburg
Classification: Uncertain significance for Retinal dystrophy. Last evaluated: 2020-01-01. Review status: no assertion criteria provided. Criteria: ACMG Guidelines, 2015. Collection method: clinical testing. Allele origin: germline. Affected: yes. Not counted in ClinVar's aggregate classification.

NM_001256789.3(CACNA1F):c.3159C>A (p.Asn1053Lys)

Gene: CACNA1F (calcium voltage-gated channel subunit alpha1 F; minus strand). Cytogenetic location: Xp11.23.
Variant type: single nucleotide variant.
Coding change: c.3159C>A on transcript NM_001256789.3 (MANE Select); coding-DNA position 3159, C replaced by A.
Protein change: p.Asn1053Lys; replaces asparagine 1053 with lysine.
Molecular consequence: missense variant.
Genome position (GRCh38, 1-based): chrX:49,216,459, G>T on the plus strand (C>A on the coding strand, the complement: CACNA1F is on the minus strand). VCF-style: chrX-49216459-G-T. GRCh37 (hg19) VCF-style: chrX-49072919-G-T.
Other names: c.2997C>A, p.Asn999Lys (NM_001256790.3); c.3192C>A, p.Asn1064Lys (NM_005183.4); short protein forms N1053K, N1064K, N999K.
Identifiers: ClinVar variation 1907728 (VCV001907728.6), dbSNP rs369354206, ClinGen allele CA10410519.